The following is an entry in ClinVar:

NM_001698.3(AUH):c.419-2A>G

Gene: AUH (AU RNA binding methylglutaconyl-CoA hydratase; minus strand). Cytogenetic location: 9q22.31.
Variant type: single nucleotide variant.
Coding change: c.419-2A>G on transcript NM_001698.3 (MANE Select); the canonical splice acceptor site of the intron before coding-DNA position 419, A replaced by G.
Molecular consequence: splice acceptor variant. On other transcripts: intron variant (1).
Genome position (GRCh38, 1-based): chr9:91,325,406, T>C on the plus strand (A>G on the coding strand, the complement: AUH is on the minus strand). VCF-style: chr9-91325406-T-C. GRCh37 (hg19) VCF-style: chr9-94087688-T-C.
Other names: c.419-27330A>G (NM_001306190.2); c.92-2A>G (NM_001351433.2, NM_001351431.2, NM_001351432.2).
Identifiers: ClinVar variation 3004570 (VCV003004570.3), dbSNP rs748563423, ClinGen allele CA5119852.
Genomic context (GRCh38, chr9:91,325,406, plus strand): 5'-GGAGACAAAAGGACCAACTTCACTGGAACTCATTTTGGCTCTTTCCTTAAGGTCAGCACC[T>C]GCAAAGTATTTTATTTACAAATATAATCTAGTTGTAAACAAAATTTTAAGGCAAAGAATT-3'

ClinVar aggregate classification (germline): Pathogenic (1 of 4 stars; one submission).

Conditions:
3-methylglutaconic aciduria type 1 (MGCA1). Identifiers: Orphanet 67046, MedGen C0342727, MONDO:0009610, OMIM 250950.

Allele frequency attached by ClinVar (database versions not stated): TOPMed below 0.00001; ExAC 0.00001; gnomAD exomes below 0.00001.
gnomAD v4.1: 1 of 1,613,108 alleles (0.000062%); highest among the groups gnomAD compares: Admixed American, 0.0017%; no homozygotes.

Submission:

Labcorp Genetics (formerly Invitae), Labcorp
Classification: Pathogenic for 3-methylglutaconic aciduria type 1. Last evaluated: 2024-10-02. Review status: criteria provided, single submitter. Criteria: Invitae Variant Classification Sherloc (09022015). Collection method: clinical testing. Allele origin: germline.
Comment: This sequence change affects an acceptor splice site in intron 3 of the AUH gene. It is expected to disrupt RNA splicing. Variants that disrupt the donor or acceptor splice site typically lead to a loss of protein function (PMID: 16199547), and loss-of-function variants in AUH are known to be pathogenic (PMID: 12655555, 20882351). This variant is present in population databases (rs748563423, gnomAD 0.003%). Disruption of this splice site has been observed in individual(s) with clinical features of 3-methylglutaconic aciduria (internal data). Algorithms developed to predict the effect of sequence changes on RNA splicing suggest that this variant may disrupt the consensus splice site. For these reasons, this variant has been classified as Pathogenic.

Literature cited by the submitters: PubMed 16199547; PubMed 12655555; PubMed 20882351.